The following is an entry in ClinVar:

ClinVar aggregate classification (germline): Uncertain significance (1 of 4 stars; one submission).

Submission:

Labcorp Genetics (formerly Invitae), Labcorp
Classification: Uncertain significance. Last evaluated: 2020-10-14. Review status: criteria provided, single submitter. Criteria: Invitae Variant Classification Sherloc (09022015). Collection method: clinical testing. Allele origin: germline.
Comment: This variant results in a copy number gain of the genomic region encompassing the full coding sequence of the HFE2 gene. The boundaries of this event are unknown as they extend beyond the assayed region for this gene and therefore may encompass additional genes. As the precise location of this event is unknown, it may be in tandem or it may be located elsewhere in the genome. This variant has not been reported in the literature in individuals with HFE2-related disease. In summary, the available evidence is currently insufficient to determine the role of this variant in disease. Therefore, it has been classified as a Variant of Uncertain Significance.

NC_000001.10:g.(?_145414772)_(145416946_?)dup

Gene: HJV (hemojuvelin BMP co-receptor; minus strand). Cytogenetic location: 1q21.1.
Variant type: Duplication.
Identifiers: ClinVar variation 1043024 (VCV001043024.1).